The following is an entry in ClinVar:

NM_001382567.1(STIM1):c.386-1G>A

Gene: STIM1 (stromal interaction molecule 1; plus strand). Cytogenetic location: 11p15.4.
Variant type: single nucleotide variant.
Coding change: c.386-1G>A on transcript NM_001382567.1 (MANE Select); the canonical splice acceptor site of the intron before coding-DNA position 386, G replaced by A.
Molecular consequence: splice acceptor variant. On other transcripts: intron variant (2).
Genome position (GRCh38, 1-based): chr11:4,055,525, G>A. VCF-style: chr11-4055525-G-A. GRCh37 (hg19) VCF-style: chr11-4076755-G-A.
Other names: c.164-1G>A (NM_001382578.1, NM_001382575.1, NM_001382576.1 and 5 more transcripts); c.-104-1G>A (NM_001382580.1, NM_001382581.1); c.386-1G>A (NM_001382568.1, NM_001277962.2, NM_003156.4 and 2 more transcripts); c.386-14501G>A (NM_001382570.1); c.251-1G>A (NM_001382569.1); c.18-3756G>A (NM_001382571.1).
Identifiers: ClinVar variation 1476711 (VCV001476711.8), dbSNP rs2133083597, ClinGen allele CA379485429.

ClinVar aggregate classification (germline): Likely pathogenic (1 of 4 stars; one submission).

Conditions:
Stormorken syndrome (STRMK). Also called: THROMBOCYTOPATHY, ASPLENIA, AND MIOSIS. Identifiers: Orphanet 3204, MedGen C1861451, MONDO:0008497, OMIM 185070.
Myopathy with tubular aggregates (TAM). Also called: Tubular Aggregate Myopathy. Identifiers: Orphanet 2593, MedGen C0410207, MONDO:0008051.
Combined immunodeficiency due to STIM1 deficiency. Also called: IMMUNODEFICIENCY 10; STIM1 DEFICIENCY. Identifiers: Orphanet 169090, Orphanet 317430, MedGen C2748557, MONDO:0013008, OMIM 612783.

Submission:

Labcorp Genetics (formerly Invitae), Labcorp
Classification: Likely pathogenic for Myopathy with tubular aggregates; Combined immunodeficiency due to STIM1 deficiency; Stormorken syndrome. Last evaluated: 2024-10-16. Review status: criteria provided, single submitter. Criteria: Invitae Variant Classification Sherloc (09022015). Collection method: clinical testing. Allele origin: germline.
Comment: This sequence change affects an acceptor splice site in intron 3 of the STIM1 gene. It is expected to disrupt RNA splicing. Variants that disrupt the donor or acceptor splice site typically lead to a loss of protein function (PMID: 16199547), and loss-of-function variants in STIM1 are known to be pathogenic (PMID: 19420366, 20876309). This variant is not present in population databases (gnomAD no frequency). This variant has not been reported in the literature in individuals affected with STIM1-related conditions. ClinVar contains an entry for this variant (Variation ID: 1476711). Algorithms developed to predict the effect of sequence changes on RNA splicing suggest that this variant may disrupt the consensus splice site. In summary, the currently available evidence indicates that the variant is pathogenic, but additional data are needed to prove that conclusively. Therefore, this variant has been classified as Likely Pathogenic.

Literature cited by the submitters: PubMed 16199547; PubMed 19420366; PubMed 20876309.